The following is an entry in ClinVar:

ClinVar aggregate classification (germline): Conflicting classifications of pathogenicity. Review status: criteria provided, conflicting classifications (1 of 4 stars). 3 submissions from 3 submitters: Uncertain significance (2); Likely benign (1). Last evaluated 2024-10-26.

Conditions:
Myopia, high, with cataract and vitreoretinal degeneration (MCVD). Identifiers: MedGen C3280346, MONDO:0013670, OMIM 614292.

Submissions (3):

Labcorp Genetics (formerly Invitae), Labcorp
Classification: Uncertain significance. Last evaluated: 2024-10-26. Review status: criteria provided, single submitter. Criteria: Invitae Variant Classification Sherloc (09022015). Collection method: clinical testing. Allele origin: germline.
Comment: This variant, c.107_112dup, results in the insertion of 2 amino acid(s) of the P3H2 protein (p.Leu36_Glu37dup), but otherwise preserves the integrity of the reading frame. This variant is present in population databases (rs753516272, gnomAD 0.1%). This variant has not been reported in the literature in individuals affected with P3H2-related conditions. ClinVar contains an entry for this variant (Variation ID: 844247). Experimental studies and prediction algorithms are not available or were not evaluated, and the functional significance of this variant is currently unknown. In summary, the available evidence is currently insufficient to determine the role of this variant in disease. Therefore, it has been classified as a Variant of Uncertain Significance.

Blueprint Genetics
Classification: Likely benign. Last evaluated: 2023-12-27. Review status: criteria provided, single submitter. Criteria: ACMG Guidelines, 2015. Collection method: clinical testing. Allele origin: germline.

Laboratorio de Genetica e Diagnostico Molecular, Hospital Israelita Albert Einstein
Classification: Uncertain significance for Myopia, high, with cataract and vitreoretinal degeneration. Last evaluated: 2022-11-14. Review status: criteria provided, single submitter. Criteria: ACMG Guidelines, 2015. Collection method: clinical testing. Allele origin: germline. Affected: yes. Observed: 1 variant allele.
Comment: ACMG classification criteria: PM2 moderated, PM4

NM_018192.4(P3H2):c.101TGGAGC[3] (p.34LE[3])

Gene: P3H2 (prolyl 3-hydroxylase 2; minus strand). Cytogenetic location: 3q28.
Variant type: Microsatellite.
Coding change: c.101TGGAGC[3] on transcript NM_018192.4 (MANE Select); three copies in a row of the 6-base unit TGGAGC starting at c.101; the reference has two copies in a row; one copy, 6 bases duplicated; also written c.107_112dup.
Protein change: p.34LE[3].
Molecular consequence: inframe insertion. On other transcripts: intron variant (1).
Genome position (GRCh38, 1-based): chr3:190,120,620-190,120,625, GCTCCA duplicated on the plus strand (TGGAGC on the coding strand, the reverse complement: P3H2 is on the minus strand); duplicating any 6 consecutive bases within chr3:190,120,620-190,120,636 gives the same sequence; the position shown is the placement nearest the transcript's 3' end. VCF-style (leftmost placement, unchanged base first): chr3-190120619-G-GGCTCCA. GRCh37 (hg19) VCF-style: chr3-189838408-G-GGCTCCA.
Other names: c.-64+1572TGGAGC[3] (NM_001134418.2); c.107_112dup (NM_018192.4).
Identifiers: ClinVar variation 844247 (VCV000844247.6), dbSNP rs753516272, ClinGen allele CA2753431.